The following is an entry in ClinVar:

ClinVar aggregate classification (germline): Uncertain significance (1 of 4 stars; one submission).

Conditions:
Early-onset Parkinson disease 20. Also called: PARKINSON DISEASE 20, AUTOSOMAL RECESSIVE EARLY-ONSET. Identifiers: Orphanet 391411, MedGen C3809824, MONDO:0014233, OMIM 615530.
Developmental and epileptic encephalopathy, 53. Also called: Epileptic encephalopathy, early infantile, 53. Identifiers: MedGen C4479313, MONDO:0033362, OMIM 617389.

Submission:

Labcorp Genetics (formerly Invitae), Labcorp
Classification: Uncertain significance for Developmental and epileptic encephalopathy, 53; Early-onset Parkinson disease 20. Last evaluated: 2021-08-28. Review status: criteria provided, single submitter. Criteria: Invitae Variant Classification Sherloc (09022015). Collection method: clinical testing. Allele origin: germline.
Comment: This variant, c.3262_3264dup, results in the insertion of 1 amino acid(s) to the SYNJ1 protein (p.Ser1088dup), but otherwise preserves the integrity of the reading frame. This variant is not present in population databases (ExAC no frequency). This variant has not been reported in the literature in individuals affected with SYNJ1-related conditions. Experimental studies and prediction algorithms are not available or were not evaluated, and the functional significance of this variant is currently unknown. In summary, the available evidence is currently insufficient to determine the role of this variant in disease. Therefore, it has been classified as a Variant of Uncertain Significance.

NM_203446.3(SYNJ1):c.3145_3147dup (p.Ser1049_Pro1050insSer)

Gene: SYNJ1 (synaptojanin 1; minus strand). Cytogenetic location: 21q22.11.
Variant type: Duplication.
Coding change: c.3145_3147dup on transcript NM_203446.3 (MANE Select); coding-DNA positions 3145 to 3147, 3 bases duplicated (AGT; older notation c.3145_3147dupAGT).
Protein change: p.Ser1049_Pro1050insSer.
Molecular consequence: inframe insertion. On other transcripts: inframe indel (2).
Genome position (GRCh38, 1-based): chr21:32,646,493-32,646,495, ACT duplicated on the plus strand (AGT on the coding strand, the reverse complement: SYNJ1 is on the minus strand); duplicating any 3 consecutive bases within chr21:32,646,493-32,646,496 gives the same sequence; the c. name uses the placement nearest the transcript's 3' end. VCF-style (leftmost placement, unchanged base first): chr21-32646492-G-GACT. GRCh37 (hg19) VCF-style: chr21-34018802-G-GACT.
Other names: c.3144_3146dup, p.Ser1049_Pro1050insSer (NM_001160302.2); c.3130_3132dup, p.Ser1044_Pro1045insSer (NM_001160306.2); c.3261_3263dup, p.Ser1088_Pro1089insSer (NM_003895.4).
Identifiers: ClinVar variation 950573 (VCV000950573.7), dbSNP rs2040075484, ClinGen allele CA512145714.